The following is an entry in ClinVar:

ClinVar aggregate classification (germline): Likely pathogenic (1 of 4 stars; one submission).

Conditions:
GLB1-related disorder. Also called: GLB1-related disorders. Identifiers: MedGen CN377807.

Submission:

Myriad Genetics, Inc.
Classification: Likely pathogenic for GLB1-related disorder. Last evaluated: 2021-12-16. Review status: criteria provided, single submitter. Criteria: Myriad Autosomal Dominant, Autosomal Recessive and X-Linked Classification Criteria (2023). Collection method: clinical testing. Allele origin: unknown.
Comment: NM_000404.2(GLB1):c.1379_1380delTG(V460Dfs*33) is expected to be pathogenic in the context of GLB1-related disorders. This variant is predicted to lead to an abnormal or absent protein product due to the creation of a premature termination codon in GLB1, a gene where loss-of-function variants are known to be pathogenic. Please note: this variant was assessed in the context of healthy population screening.

NM_000404.4(GLB1):c.1379_1380del (p.Val460fs)

Gene: GLB1 (galactosidase beta 1; minus strand). Cytogenetic location: 3p22.3.
Variant type: Microsatellite.
Coding change: c.1379_1380del on transcript NM_000404.4 (MANE Select); coding-DNA positions 1379 to 1380, 2 bases deleted (TG; older notation c.1379_1380delTG).
Protein change: p.Val460fs; shifts the reading frame from valine 460.
Molecular consequence: frameshift variant.
Genome position (GRCh38, 1-based): chr3:33,016,808-33,016,809, CA deleted on the plus strand (TG on the coding strand, the reverse complement: GLB1 is on the minus strand); deleting any 2 consecutive bases within chr3:33,016,808-33,016,811 gives the same sequence; the c. name uses the placement nearest the transcript's 3' end. VCF-style (leftmost placement, unchanged base first): chr3-33016807-TCA-T. GRCh37 (hg19) VCF-style: chr3-33058299-TCA-T.
Other names: c.1289_1290del, p.Val430fs (NM_001079811.3); c.986_987del, p.Val329fs (NM_001135602.3); c.1523_1524del, p.Val508fs (NM_001317040.2); c.1379_1380del, p.Val460fs (NM_001393580.1); short protein forms V329fs, V430fs, V460fs, V508fs.
Identifiers: ClinVar variation 1726335 (VCV001726335.3), dbSNP rs2471255852, ClinGen allele CA2580614163.